The following is an entry in ClinVar:

NM_005343.4(HRAS):c.208_209insGGTGGTACAGCGCCATGCGGGACC (p.Asp69_Gln70insArgTrpTyrSerAlaMetArgAsp)

Genes: HRAS (HRas proto-oncogene, GTPase; minus strand), LRRC56 (leucine rich repeat containing 56; plus strand). Cytogenetic location: 11p15.5.
Variant type: Insertion.
Coding change: c.208_209insGGTGGTACAGCGCCATGCGGGACC on transcript NM_005343.4 (MANE Select); coding-DNA positions 208 to 209, GGTGGTACAGCGCCATGCGGGACC inserted.
Protein change: p.Asp69_Gln70insArgTrpTyrSerAlaMetArgAsp.
Molecular consequence: 5 prime UTR variant (on NM_001318054.2).
Genome position: GRCh38 VCF-style: chr11-533847-T-TGGTCCCGCATGGCGCTGTACCACC. GRCh37 (hg19) VCF-style: chr11-533847-T-TGGTCCCGCATGGCGCTGTACCACC.
Other names: c.208_209insGGTGGTACAGCGCCATGCGGGACC, p.Asp69_Gln70insArgTrpTyrSerAlaMetArgAsp (NM_001130442.3, NM_176795.5); c.-112_-111insGGTGGTACAGCGCCATGCGGGACC (NM_001318054.2).
Identifiers: ClinVar variation 3774510 (VCV003774510.1).
Genomic context (GRCh38, chr11:533,847, plus strand): 5'-AAAGACTTGGTGTTGTTGATGGCAAACACACACAGGAAGCCCTCCCCGGTGCGCATGTAC[T>TGGTCCCGCATGGCGCTGTACCACC]GGTCCCGCATGGCGCTGTACTCCTCCTGGCCGGCGGTATCCAGGATGTCCAACAGGCACG-3'

ClinVar aggregate classification (germline): Likely pathogenic (1 of 4 stars; one submission).

Conditions:
Arteriovenous malformation. Also called: AVM. Identifiers: MedGen C0003857, MeSH D001165, HP:0100026.

Submission:

Clinical Genomics Laboratory, Washington University in St. Louis
Classification: Likely pathogenic for Arteriovenous malformation. Last evaluated: 2024-08-28. Review status: criteria provided, single submitter. Criteria: Leon-Quintero et al. (Clin Genet. 2025). Collection method: clinical testing. Allele origin: somatic. Affected: yes.
Comment: An HRAS c.208_209insGGTGGTACAGCGCCATGCGGGACC (p.Asp69_Gln70insArgTrpTyrSerAlaMetArgAsp) variant was identified at an allelic fraction consistent with somatic origin. This variant has been reported in an individual with a capillary malformation of the right cheek (Hou YCC et al., PMID:36571464) and in another individual with a vascular malformation of the flank (Eijkelenboom A et al., PMID: 31160609). In addition, other inframe indels in the RAS genes have been identified in patients with various types of vascular anomalies (Hou YCC et al., et al., PMID:36571464; Hong T et al., PMID: 30544177; Konczyk DJ et al., PMID: 31637524) and RASopathies (Eijkelenboom A et al., PMID: 31160609). The HRAS c.208_209insGGTGGTACAGCGCCATGCGGGACC (p.Asp69_Gln70insArgTrpTyrSerAlaMetArgAsp) variant is absent from the general population (gnomAD v.4.1.0), indicating it is not a common variant. It resides within a region, the switch II domain, of HRAS that is defined as a region critical for binding regulator and effector proteins (Vetter IR et al., PMID: 11701921). This variant is predicted to cause a change in the length of the protein due to an in-frame insertion of 8 amino acids in a non-repeat region. Functional analyses of similar in-frame insertions and duplications in the HRAS switch II domain have demonstrated that these variants lead to increased RAS signaling (Eijkelenboom A et al., PMID: 31160609). Based on available information and an internally developed protocol informed by the ACMG/AMP guidelines for variant interpretation and gene-specific practices from the ClinGen Criteria Specification Registry (Leon-Quintero FZ et al., PMID: 39434542), the HRAS c.208_209insGGTGGTACAGCGCCATGCGGGACC (p.Asp69_Gln70insArgTrpTyrSerAlaMetArgAsp) variant is classified as likely pathogenic.